The following is an entry in ClinVar:

NM_000064.4(C3):c.2326G>C (p.Glu776Gln)

Gene: C3 (complement C3; minus strand). Cytogenetic location: 19p13.3.
Variant type: single nucleotide variant.
Coding change: c.2326G>C on transcript NM_000064.4 (MANE Select); coding-DNA position 2326, G replaced by C.
Protein change: p.Glu776Gln; replaces glutamic acid 776 with glutamine.
Molecular consequence: missense variant.
Genome position (GRCh38, 1-based): chr19:6,702,499, C>G on the plus strand (G>C on the coding strand, the complement: C3 is on the minus strand). VCF-style: chr19-6702499-C-G. GRCh37 (hg19) VCF-style: chr19-6702510-C-G.
Other names: short protein forms E776Q.
Identifiers: ClinVar variation 1380421 (VCV001380421.7), dbSNP rs2145417819, ClinGen allele CA403635445.

ClinVar aggregate classification (germline): Uncertain significance. Review status: criteria provided, multiple submitters, no conflicts (2 of 4 stars). 2 submissions from 2 submitters: Uncertain significance (2). Last evaluated 2022-09-01.

Conditions:
Age related macular degeneration 9. Identifiers: MedGen C1969651, MONDO:0012659, OMIM 611378.
Atypical hemolytic-uremic syndrome with C3 anomaly. Also called: AHUS, SUSCEPTIBILITY TO, 5. Identifiers: Orphanet 2134, MedGen C2752037, MONDO:0013043, OMIM 612925.
Complement component 3 deficiency. Identifiers: Orphanet 280133, MedGen C3151071, MONDO:0013417, OMIM 613779.

Submissions (2):

Labcorp Genetics (formerly Invitae), Labcorp
Classification: Uncertain significance. Last evaluated: 2022-09-01. Review status: criteria provided, single submitter. Criteria: Invitae Variant Classification Sherloc (09022015). Collection method: clinical testing. Allele origin: germline.
Comment: Algorithms developed to predict the effect of missense changes on protein structure and function output the following: SIFT: "Deleterious"; PolyPhen-2: "Benign"; Align-GVGD: "Class C0". The glutamine amino acid residue is found in multiple mammalian species, which suggests that this missense change does not adversely affect protein function. In summary, the available evidence is currently insufficient to determine the role of this variant in disease. Therefore, it has been classified as a Variant of Uncertain Significance. ClinVar contains an entry for this variant (Variation ID: 1380421). This variant has not been reported in the literature in individuals affected with C3-related conditions. This variant is not present in population databases (gnomAD no frequency). This sequence change replaces glutamic acid, which is acidic and polar, with glutamine, which is neutral and polar, at codon 776 of the C3 protein (p.Glu776Gln).

Fulgent Genetics
Classification: Uncertain significance for Age related macular degeneration 9; Atypical hemolytic-uremic syndrome with C3 anomaly; Complement component 3 deficiency. Last evaluated: 2022-05-14. Review status: criteria provided, single submitter. Criteria: ACMG Guidelines, 2015. Collection method: clinical testing. Allele origin: unknown.